The following is an entry in ClinVar:

ClinVar aggregate classification (germline): Uncertain significance. Review status: criteria provided, multiple submitters, no conflicts (2 of 4 stars). 3 submissions from 3 submitters: Uncertain significance (3). Last evaluated 2025-09-04.

Conditions:
TERT-related disorder. Also called: TERT-related disorders; TERT-related condition.
Dyskeratosis congenita, autosomal dominant 2. Identifiers: MedGen C3151443, MONDO:0013521, OMIM 613989.
Idiopathic Pulmonary Fibrosis. Also called: Idiopathic fibrosing alveolitis, chronic form; idiopathic fibrosing alveolitis. Identifiers: Orphanet 2032, MedGen C1800706, MeSH D054990, MONDO:0800504.
Dyskeratosis congenita. Identifiers: Orphanet 1775, MedGen C0265965, MONDO:0015780.

Allele frequency attached by ClinVar (database versions not stated): gnomAD 0.00001; TOPMed 0.00001.
gnomAD v4.1: 2 of 1,583,434 alleles (0.00013%); highest among the groups gnomAD compares: African/African-American, 0.0027%; no homozygotes.

Submissions (3):

Ambry Genetics
Classification: Uncertain significance for Dyskeratosis congenita. Last evaluated: 2025-09-04. Review status: criteria provided, single submitter. Criteria: Ambry Variant Classification Scheme 2023. Collection method: clinical testing. Allele origin: germline.
Comment: The p.P187R variant (also known as c.560C>G), located in coding exon 2 of the TERT gene, results from a C to G substitution at nucleotide position 560. The proline at codon 187 is replaced by arginine, an amino acid with dissimilar properties. This amino acid position is conserved. In addition, this alteration is predicted to be tolerated by in silico analysis. Based on the available evidence, the clinical significance of this variant remains unclear.

Labcorp Genetics (formerly Invitae), Labcorp
Classification: Uncertain significance for Dyskeratosis congenita, autosomal dominant 2; Idiopathic Pulmonary Fibrosis. Last evaluated: 2023-07-26. Review status: criteria provided, single submitter. Criteria: Invitae Variant Classification Sherloc (09022015). Collection method: clinical testing. Allele origin: germline.
Comment: This sequence change replaces proline, which is neutral and non-polar, with arginine, which is basic and polar, at codon 187 of the TERT protein (p.Pro187Arg). This variant is not present in population databases (gnomAD no frequency). This variant has not been reported in the literature in individuals affected with TERT-related conditions. ClinVar contains an entry for this variant (Variation ID: 951919). Advanced modeling of protein sequence and biophysical properties (such as structural, functional, and spatial information, amino acid conservation, physicochemical variation, residue mobility, and thermodynamic stability) performed at Invitae indicates that this missense variant is not expected to disrupt TERT protein function. In summary, the available evidence is currently insufficient to determine the role of this variant in disease. Therefore, it has been classified as a Variant of Uncertain Significance.

PreventionGenetics, part of Exact Sciences
Classification: Uncertain significance for TERT-related condition. Last evaluated: 2022-08-24. Review status: criteria provided, single submitter. Criteria: ACMG Guidelines, 2015. Collection method: clinical testing. Allele origin: germline.
Comment: The TERT c.560C>G variant is predicted to result in the amino acid substitution p.Pro187Arg. To our knowledge, this variant has not been reported in the literature or in a large population database, indicating this variant is rare. It is interpreted as uncertain significance in ClinVar. At this time, the clinical significance of this variant is uncertain due to the absence of conclusive functional and genetic evidence.

NM_198253.3(TERT):c.560C>G (p.Pro187Arg)

Gene: TERT (telomerase reverse transcriptase; minus strand). Cytogenetic location: 5p15.33.
Variant type: single nucleotide variant.
Coding change: c.560C>G on transcript NM_198253.3 (MANE Select); coding-DNA position 560, C replaced by G.
Protein change: p.Pro187Arg; replaces proline 187 with arginine.
Molecular consequence: missense variant. On other transcripts: non-coding transcript variant (2).
Genome position (GRCh38, 1-based): chr5:1,294,326, G>C on the plus strand (C>G on the coding strand, the complement: TERT is on the minus strand). VCF-style: chr5-1294326-G-C. GRCh37 (hg19) VCF-style: chr5-1294441-G-C.
Other names: c.560C>G, p.Pro187Arg (NM_001193376.3); short protein forms P187R.
Identifiers: ClinVar variation 951919 (VCV000951919.13), dbSNP rs906128293, ClinGen allele CA112915222.